The following is an entry in ClinVar:

NM_006521.6(TFE3):c.1690_1695del (p.Ser564_Arg565del)

Gene: TFE3 (transcription factor binding to IGHM enhancer 3; minus strand). Cytogenetic location: Xp11.23.
Variant type: Deletion.
Coding change: c.1690_1695del on transcript NM_006521.6 (MANE Select); coding-DNA positions 1690 to 1695, 6 bases deleted (AGCCGC; older notation c.1690_1695delAGCCGC).
Protein change: p.Ser564_Arg565del.
Molecular consequence: inframe deletion.
Genome position (GRCh38, 1-based): chrX:49,030,191-49,030,196, GCGGCT deleted on the plus strand (AGCCGC on the coding strand, the reverse complement: TFE3 is on the minus strand); deleting any 6 consecutive bases within chrX:49,030,191-49,030,198 gives the same sequence; the c. name uses the placement nearest the transcript's 3' end. VCF-style (leftmost placement, unchanged base first): chrX-49030190-GGCGGCT-G. GRCh37 (hg19) VCF-style: chrX-48887701-GGCGGCT-G.
Other names: c.1375_1380del, p.Ser459_Arg460del (NM_001282142.2).
Identifiers: ClinVar variation 5009609 (VCV005009609.1).
Genomic context (GRCh38, chrX:49,030,190, plus strand): 5'-AAAGTCCCAGGGGAGGGGTGAGGCCTGATCAGGACTCCTCTTCCATGCTGAAGCTGCTGC[GGCGGCT>G]GCTGGCCTTGGAGACAGCAGGGGACACTGAAGAGAGCAGGGGATCGGAGGCAGCCCGCAG-3'

ClinVar aggregate classification (germline): Uncertain significance (1 of 4 stars; one submission).

Submission:

GeneDx
Classification: Uncertain significance. Last evaluated: 2026-02-13. Review status: criteria provided, single submitter. Criteria: GeneDx Variant Classification Process June 2021. Collection method: clinical testing. Allele origin: germline.
Comment: Not observed at significant frequency in large population cohorts (gnomAD); In-frame deletion of 2 amino acid(s) in a non-repeat region; In silico analysis suggests that this variant does not alter protein structure/function; Has not been previously published as pathogenic or benign to our knowledge